The following is an entry in ClinVar:

ClinVar aggregate classification (germline): Pathogenic (1 of 4 stars; one submission).

Conditions:
Osteogenesis imperfecta type I (OI1). Also called: Lobstein disease; Classic Non-deforming Osteogenesis Imperfecta with Blue Sclerae; OI, TYPE I; OSTEOGENESIS IMPERFECTA TARDA; OSTEOGENESIS IMPERFECTA WITH BLUE SCLERAE; Osteogenesis imperfecta type 1. Identifiers: Orphanet 216796, Orphanet 666, MedGen C0023931, MONDO:0008146, OMIM 166200. Disease mechanism: loss of function.

Submission:

Labcorp Genetics (formerly Invitae), Labcorp
Classification: Pathogenic for Osteogenesis imperfecta type I. Last evaluated: 2021-10-15. Review status: criteria provided, single submitter. Criteria: Invitae Variant Classification Sherloc (09022015). Collection method: clinical testing. Allele origin: germline.
Comment: For these reasons, this variant has been classified as Pathogenic. Disruption of the initiator codon has been observed in individuals with osteogenesis imperfecta (PMID: 23529829, 25696019, 31447884; Invitae). This variant is not present in population databases (ExAC no frequency). This sequence change affects the initiator methionine of the COL1A1 mRNA. The next in-frame methionine is located at codon 181.

Literature cited by the submitters: PubMed 23529829; PubMed 25696019; PubMed 31447884.

NM_000088.4(COL1A1):c.1A>C (p.Met1Leu)

Gene: COL1A1 (collagen type I alpha 1 chain; minus strand). Cytogenetic location: 17q21.33.
Variant type: single nucleotide variant.
Coding change: c.1A>C on transcript NM_000088.4 (MANE Select); coding-DNA position 1, A replaced by C.
Protein change: p.Met1Leu; changes the start codon (methionine 1).
Molecular consequence: missense variant, initiator codon variant.
Genome position (GRCh38, 1-based): chr17:50,201,513, T>G on the plus strand (A>C on the coding strand, the complement: COL1A1 is on the minus strand). VCF-style: chr17-50201513-T-G. GRCh37 (hg19) VCF-style: chr17-48278874-T-G.
Other names: short protein forms M1L.
Identifiers: ClinVar variation 1457923 (VCV001457923.6), dbSNP rs1555575889, ClinGen allele CA400230610.